The following is an entry in ClinVar:

ClinVar aggregate classification (germline): Uncertain significance. Review status: criteria provided, multiple submitters, no conflicts (2 of 4 stars). 2 submissions from 2 submitters: Uncertain significance (2). Last evaluated 2022-11-10.

Conditions:
Inborn genetic diseases. Identifiers: MedGen C0950123, MeSH D030342.
Deficiency of alpha-mannosidase (MANSA). Also called: LYSOSOMAL ALPHA-D-MANNOSIDASE DEFICIENCY; Alpha-Mannosidosis; Mannosidosis, alpha-, types I and II. Identifiers: Orphanet 61, MedGen C0024748, MONDO:0009561, OMIM 248500.

Allele frequency attached by ClinVar (database versions not stated): TOPMed 0.00002.
gnomAD v4.1: 2 of 1,614,054 alleles (0.00012%); highest among the groups gnomAD compares: African/African-American, 0.0027%; no homozygotes.

Submissions (2):

Ambry Genetics
Classification: Uncertain significance for Inborn genetic diseases. Last evaluated: 2022-11-10. Review status: criteria provided, single submitter. Criteria: Ambry Variant Classification Scheme 2023. Collection method: clinical testing. Allele origin: germline.

Labcorp Genetics (formerly Invitae), Labcorp
Classification: Uncertain significance for Deficiency of alpha-mannosidase. Last evaluated: 2022-06-01. Review status: criteria provided, single submitter. Criteria: Invitae Variant Classification Sherloc (09022015). Collection method: clinical testing. Allele origin: germline.
Comment: This sequence change replaces aspartic acid, which is acidic and polar, with histidine, which is basic and polar, at codon 214 of the MAN2B1 protein (p.Asp214His). This variant is not present in population databases (gnomAD no frequency). This variant has not been reported in the literature in individuals affected with MAN2B1-related conditions. Algorithms developed to predict the effect of missense changes on protein structure and function are either unavailable or do not agree on the potential impact of this missense change (SIFT: "Deleterious"; PolyPhen-2: "Probably Damaging"; Align-GVGD: "Class C15"). In summary, the available evidence is currently insufficient to determine the role of this variant in disease. Therefore, it has been classified as a Variant of Uncertain Significance.

NM_000528.4(MAN2B1):c.640G>C (p.Asp214His)

Gene: MAN2B1 (mannosidase alpha class 2B member 1; minus strand). Cytogenetic location: 19p13.13.
Variant type: single nucleotide variant.
Coding change: c.640G>C on transcript NM_000528.4 (MANE Select); coding-DNA position 640, G replaced by C.
Protein change: p.Asp214His; replaces aspartic acid 214 with histidine.
Molecular consequence: missense variant.
Genome position (GRCh38, 1-based): chr19:12,663,826, C>G on the plus strand (G>C on the coding strand, the complement: MAN2B1 is on the minus strand). VCF-style: chr19-12663826-C-G. GRCh37 (hg19) VCF-style: chr19-12774640-C-G.
Other names: c.640G>C, p.Asp214His (NM_001173498.2); short protein forms D214H.
Identifiers: ClinVar variation 1961533 (VCV001961533.3), dbSNP rs777610043, ClinGen allele CA404253086.